The following is an entry in ClinVar:

NM_000257.4(MYH7):c.1854C>T (p.Ser618=)

Gene: MYH7 (myosin heavy chain 7; minus strand). Cytogenetic location: 14q11.2.
Variant type: single nucleotide variant.
Coding change: c.1854C>T on transcript NM_000257.4 (MANE Select); coding-DNA position 1854, C replaced by T.
Protein change: p.Ser618=; no amino-acid change (serine 618 retained).
Molecular consequence: synonymous variant.
Genome position (GRCh38, 1-based): chr14:23,427,619, G>A on the plus strand (C>T on the coding strand, the complement: MYH7 is on the minus strand). VCF-style: chr14-23427619-G-A. GRCh37 (hg19) VCF-style: chr14-23896828-G-A.
Other names: c.1854C>T, p.Ser618= (NM_001407004.1).
Identifiers: ClinVar variation 3387345 (VCV003387345.1).

ClinVar aggregate classification (germline): Likely benign (1 of 4 stars; one submission).

Conditions:
Cardiomyopathy (CMYO). Also called: Cardiomyopathies. Identifiers: Orphanet 167848, MedGen C0878544, MONDO:0004994, HP:0001638. Inheritance: Various modes of inheritance.

Submission:

All of Us Research Program, National Institutes of Health
Classification: Likely benign for Cardiomyopathy. Last evaluated: 2024-05-14. Review status: criteria provided, single submitter. Criteria: ACMG Guidelines, 2015. Collection method: clinical testing. Allele origin: germline. Inheritance: Autosomal dominant inheritance. Observed: 1 variant allele, 1 heterozygote.
Comment: This study involves interpretation of variants in research participants for the purpose of population health screening. Participant phenotype was not available at the time of variant classification. Additional details can be found in publication PMID: 35346344, PMCID: PMC8962531